The following is an entry in ClinVar:

NM_198859.4(PRICKLE2):c.2230C>A (p.Leu744Met)

Genes: PRICKLE2 (prickle planar cell polarity protein 2; minus strand), PRICKLE2-AS1 (PRICKLE2 antisense RNA 1; plus strand). Cytogenetic location: 3p14.1.
Variant type: single nucleotide variant.
Coding change: c.2230C>A on transcript NM_198859.4 (MANE Select); coding-DNA position 2230, C replaced by A.
Protein change: p.Leu744Met; replaces leucine 744 with methionine.
Molecular consequence: missense variant. On other transcripts: non-coding transcript variant (1).
Genome position (GRCh38, 1-based): chr3:64,099,356, G>T on the plus strand (C>A on the coding strand, the complement: PRICKLE2 is on the minus strand). VCF-style: chr3-64099356-G-T. GRCh37 (hg19) VCF-style: chr3-64085032-G-T.
Other names: c.2230C>A, p.Leu744Met (NM_001370528.1); short protein forms L744M.
Identifiers: ClinVar variation 1405443 (VCV001405443.9), dbSNP rs137975846, ClinGen allele CA75715891.

ClinVar aggregate classification (germline): Uncertain significance (1 of 4 stars; one submission).

Conditions:
Progressive myoclonic epilepsy type 5. Identifiers: Orphanet 402082, MedGen C5190799.

Allele frequency attached by ClinVar (database versions not stated): gnomAD exomes below 0.00001; gnomAD 0.00001; TOPMed 0.00003; ESP Exome Variant Server 0.00008.
gnomAD v4.1: 6 of 1,613,924 alleles (0.00037%); highest among the groups gnomAD compares: African/African-American, 0.0053%; no homozygotes.

Submission:

Labcorp Genetics (formerly Invitae), Labcorp
Classification: Uncertain significance for Progressive myoclonic epilepsy type 5. Last evaluated: 2021-02-01. Review status: criteria provided, single submitter. Criteria: Invitae Variant Classification Sherloc (09022015). Collection method: clinical testing. Allele origin: germline.
Comment: In summary, the available evidence is currently insufficient to determine the role of this variant in disease. Therefore, it has been classified as a Variant of Uncertain Significance. Algorithms developed to predict the effect of missense changes on protein structure and function (SIFT, PolyPhen-2, Align-GVGD) all suggest that this variant is likely to be tolerated, but these predictions have not been confirmed by published functional studies and their clinical significance is uncertain. This variant has not been reported in the literature in individuals with PRICKLE2-related conditions. This variant is not present in population databases (ExAC no frequency). This sequence change replaces leucine with methionine at codon 744 of the PRICKLE2 protein (p.Leu744Met). The leucine residue is moderately conserved and there is a small physicochemical difference between leucine and methionine.